The following is an entry in ClinVar:

ClinVar aggregate classification (germline): not provided (0 of 4 stars; one submission).

Submission:

ITMI
No classification provided. Condition: AllHighlyPenetrant. Last evaluated: 2013-09-19. Review status: no classification provided. Collection method: reference population. Allele origin: germline.
Comment: Please see associated publication for description of ethnicities

Literature cited by the submitters: PubMed 24728327.

NM_001378743.1(CYLD):c.988G>C (p.Gly330Arg)

Gene: CYLD (CYLD lysine 63 deubiquitinase; plus strand). Cytogenetic location: 16q12.1.
Variant type: single nucleotide variant.
Coding change: c.988G>C on transcript NM_001378743.1 (MANE Select); coding-DNA position 988, G replaced by C.
Protein change: p.Gly330Arg; replaces glycine 330 with arginine.
Molecular consequence: missense variant. On other transcripts: non-coding transcript variant (1).
Genome position (GRCh38, 1-based): chr16:50,776,244, G>C. VCF-style: chr16-50776244-G-C. GRCh37 (hg19) VCF-style: chr16-50810155-G-C.
Other names: c.979G>C, p.Gly327Arg (NM_001042355.2, NM_001042412.3, NM_001378744.1 and 9 more transcripts); c.313G>C, p.Gly105Arg (NM_001378754.1, NM_001378755.1); c.988G>C, p.Gly330Arg (NM_015247.3); short protein forms G330R, G327R, G105R.
Identifiers: ClinVar variation 133958 (VCV000133958.1), dbSNP rs587778226, ClinGen allele CA158246.
Genomic context (GRCh38, chr16:50,776,244, plus strand): 5'-GTGACGCAGGAAAGGAGGCCTCCCAAACTTGCCTTTATGTCAAGAGGTGTTGGGGACAAA[G>C]GTTCATCCAGTCATAATAAACCAAAGGCTACAGGTATGGATTAATAGCATATAACCTTTA-3'
Protein context (NP_001365672.1, residues 320-340): AFMSRGVGDK[Gly330Arg]SSSHNKPKAT